The following is an entry in ClinVar:

ClinVar aggregate classification (germline): Uncertain significance (1 of 4 stars; one submission).

Submission:

GeneDx
Classification: Uncertain significance. Last evaluated: 2024-11-08. Review status: criteria provided, single submitter. Criteria: GeneDx Variant Classification Process June 2021. Collection method: clinical testing. Allele origin: germline. Affected: yes.
Comment: Not observed at significant frequency in large population cohorts (gnomAD); In silico analysis supports that this missense variant has a deleterious effect on protein structure/function; Has not been previously published as pathogenic or benign to our knowledge

NM_003104.6(SORD):c.389G>A (p.Cys130Tyr)

Gene: SORD (sorbitol dehydrogenase; plus strand). Cytogenetic location: 15q21.1.
Variant type: single nucleotide variant.
Coding change: c.389G>A on transcript NM_003104.6 (MANE Select); coding-DNA position 389, G replaced by A.
Protein change: p.Cys130Tyr; replaces cysteine 130 with tyrosine.
Molecular consequence: missense variant. On other transcripts: non-coding transcript variant (1).
Genome position (GRCh38, 1-based): chr15:45,061,190, G>A. VCF-style: chr15-45061190-G-A. GRCh37 (hg19) VCF-style: chr15-45353388-G-A.
Other names: short protein forms C130Y.
Identifiers: ClinVar variation 3899145 (VCV003899145.1).
Genomic context (GRCh38, chr15:45,061,190, plus strand): 5'-GATACAATCTGTCACCTTCCATCTTCTTCTGTGCCACGCCCCCCGATGACGGGAACCTCT[G>A]CCGGTTCTATAAGCACAATGCAGCCTTTTGTTACAAGTTAGTGTCCACAGTCCCACTGGG-3'
Protein context (NP_003095.2, residues 120-140): CATPPDDGNL[Cys130Tyr]RFYKHNAAFC